The following is an entry in ClinVar:

ClinVar aggregate classification (germline): Uncertain significance (1 of 4 stars; one submission).

gnomAD v4.1: 1 of 1,613,756 alleles (0.000062%); highest among the groups gnomAD compares: Non-Finnish European, 0.000085%; no homozygotes.

Submission:

Ambry Genetics
Classification: Uncertain significance. Last evaluated: 2024-06-19. Review status: criteria provided, single submitter. Criteria: Ambry Variant Classification Scheme 2023. Collection method: clinical testing. Allele origin: germline.
Comment: The p.R711L variant (also known as c.2132G>T), located in coding exon 13 of the POLQ gene, results from a G to T substitution at nucleotide position 2132. The arginine at codon 711 is replaced by leucine, an amino acid with dissimilar properties. This amino acid position is conserved. In addition, the in silico prediction for this alteration is inconclusive. Based on the available evidence, the clinical significance of this variant remains unclear.

NM_199420.4(POLQ):c.2132G>T (p.Arg711Leu)

Gene: POLQ (DNA polymerase theta; minus strand). Cytogenetic location: 3q13.33.
Variant type: single nucleotide variant.
Coding change: c.2132G>T on transcript NM_199420.4 (MANE Select); coding-DNA position 2132, G replaced by T.
Protein change: p.Arg711Leu; replaces arginine 711 with leucine.
Molecular consequence: missense variant.
Genome position (GRCh38, 1-based): chr3:121,498,498, C>A on the plus strand (G>T on the coding strand, the complement: POLQ is on the minus strand). VCF-style: chr3-121498498-C-A. GRCh37 (hg19) VCF-style: chr3-121217345-C-A.
Other names: short protein forms R711L.
Identifiers: ClinVar variation 3308565 (VCV003308565.1).